The following is an entry in ClinVar:

ClinVar aggregate classification (germline): Uncertain significance (1 of 4 stars; one submission).

Conditions:
Myopathy with tubular aggregates (TAM). Also called: Tubular Aggregate Myopathy. Identifiers: Orphanet 2593, MedGen C0410207, MONDO:0008051.
Combined immunodeficiency due to STIM1 deficiency. Also called: IMMUNODEFICIENCY 10; STIM1 DEFICIENCY. Identifiers: Orphanet 169090, Orphanet 317430, MedGen C2748557, MONDO:0013008, OMIM 612783.
Stormorken syndrome (STRMK). Also called: THROMBOCYTOPATHY, ASPLENIA, AND MIOSIS. Identifiers: Orphanet 3204, MedGen C1861451, MONDO:0008497, OMIM 185070.

Submission:

Labcorp Genetics (formerly Invitae), Labcorp
Classification: Uncertain significance for Myopathy with tubular aggregates; Combined immunodeficiency due to STIM1 deficiency; Stormorken syndrome. Last evaluated: 2024-05-29. Review status: criteria provided, single submitter. Criteria: Invitae Variant Classification Sherloc (09022015). Collection method: clinical testing. Allele origin: germline.
Comment: This sequence change replaces methionine, which is neutral and non-polar, with isoleucine, which is neutral and non-polar, at codon 241 of the STIM1 protein (p.Met241Ile). This variant is not present in population databases (gnomAD no frequency). This variant has not been reported in the literature in individuals affected with STIM1-related conditions. Advanced modeling of protein sequence and biophysical properties (such as structural, functional, and spatial information, amino acid conservation, physicochemical variation, residue mobility, and thermodynamic stability) has been performed at Invitae for this missense variant, however the output from this modeling did not meet the statistical confidence thresholds required to predict the impact of this variant on STIM1 protein function. In summary, the available evidence is currently insufficient to determine the role of this variant in disease. Therefore, it has been classified as a Variant of Uncertain Significance.

NM_001382567.1(STIM1):c.723G>A (p.Met241Ile)

Gene: STIM1 (stromal interaction molecule 1; plus strand). Cytogenetic location: 11p15.4.
Variant type: single nucleotide variant.
Coding change: c.723G>A on transcript NM_001382567.1 (MANE Select); coding-DNA position 723, G replaced by A.
Protein change: p.Met241Ile; replaces methionine 241 with isoleucine.
Molecular consequence: missense variant. On other transcripts: non-coding transcript variant (2).
Genome position (GRCh38, 1-based): chr11:4,070,135, G>A. VCF-style: chr11-4070135-G-A. GRCh37 (hg19) VCF-style: chr11-4091365-G-A.
Other names: c.723G>A, p.Met241Ile (NM_001277961.3, NM_001277962.2, NM_001382568.1 and 2 more transcripts); c.501G>A, p.Met167Ile (NM_001382566.1, NM_001382573.1, NM_001382574.1 and 5 more transcripts); c.588G>A, p.Met196Ile (NM_001382569.1); c.495G>A, p.Met165Ile (NM_001382570.1); c.243G>A, p.Met81Ile (NM_001382571.1); c.234G>A, p.Met78Ile (NM_001382580.1, NM_001382581.1); short protein forms M165I, M167I, M196I, M241I, M78I, M81I.
Identifiers: ClinVar variation 3756611 (VCV003756611.2).